The following is an entry in ClinVar:

NM_006904.7(PRKDC):c.1195C>G (p.Gln399Glu)

Gene: PRKDC (protein kinase, DNA-activated, catalytic subunit; minus strand). Cytogenetic location: 8q11.21.
Variant type: single nucleotide variant.
Coding change: c.1195C>G on transcript NM_006904.7 (MANE Select); coding-DNA position 1195, C replaced by G.
Protein change: p.Gln399Glu; replaces glutamine 399 with glutamic acid.
Molecular consequence: missense variant.
Genome position (GRCh38, 1-based): chr8:47,936,436, G>C on the plus strand (C>G on the coding strand, the complement: PRKDC is on the minus strand). VCF-style: chr8-47936436-G-C. GRCh37 (hg19) VCF-style: chr8-48848996-G-C.
Other names: c.1195C>G, p.Gln399Glu (NM_001081640.2); short protein forms Q399E.
Identifiers: ClinVar variation 3225729 (VCV003225729.1), dbSNP rs2551879733, ClinGen allele CA371166219.

ClinVar aggregate classification (germline): Uncertain significance (1 of 4 stars; one submission).

Submission:

Ambry Genetics
Classification: Uncertain significance. Last evaluated: 2023-11-23. Review status: criteria provided, single submitter. Criteria: Ambry Variant Classification Scheme 2023. Collection method: clinical testing. Allele origin: germline.
Comment: The p.Q399E variant (also known as c.1195C>G), located in coding exon 12 of the PRKDC gene, results from a C to G substitution at nucleotide position 1195. The glutamine at codon 399 is replaced by glutamic acid, an amino acid with highly similar properties. This amino acid position is conserved. In addition, this alteration is predicted to be tolerated by in silico analysis. Since supporting evidence is limited at this time, the clinical significance of this alteration remains unclear.